The following is an entry in ClinVar:

NM_001103.4(ACTN2):c.2639A>C (p.Asp880Ala)

Gene: ACTN2 (actinin alpha 2; plus strand). Cytogenetic location: 1q43.
Variant type: single nucleotide variant.
Coding change: c.2639A>C on transcript NM_001103.4 (MANE Select); coding-DNA position 2639, A replaced by C.
Protein change: p.Asp880Ala; replaces aspartic acid 880 with alanine.
Molecular consequence: missense variant. On other transcripts: non-coding transcript variant (1).
Genome position (GRCh38, 1-based): chr1:236,762,573, A>C. VCF-style: chr1-236762573-A-C. GRCh37 (hg19) VCF-style: chr1-236925873-A-C.
Other names: c.2639A>C, p.Asp880Ala (NM_001278343.2); short protein forms D880A.
Identifiers: ClinVar variation 4783906 (VCV004783906.1).
Genomic context (GRCh38, chr1:236,762,573, plus strand): 5'-AGTACTGCATCAAGAGGATGCCCGCCTACTCGGGCCCAGGCAGTGTGCCTGGTGCACTGG[A>C]TTACGCTGCGTTCTCTTCCGCACTCTACGGGGAGAGCGATCTGTGATGCTGAGCTTCTGT-3'
Protein context (NP_001094.1, residues 870-890): SGPGSVPGAL[Asp880Ala]YAAFSSALYG

ClinVar aggregate classification (germline): Uncertain significance (1 of 4 stars; one submission).

Conditions:
Primary familial hypertrophic cardiomyopathy (HCM). Identifiers: Orphanet 99739, MedGen C0949658, MeSH D024741, MONDO:0024573. Inheritance: Various modes of inheritance.
Dilated cardiomyopathy 1AA (CMD1AA). Also called: CARDIOMYOPATHY, DILATED, 1AA, WITH OR WITHOUT LEFT VENTRICULAR NONCOMPACTION; CARDIOMYOPATHY, FAMILIAL HYPERTROPHIC, 23, WITH OR WITHOUT LEFT VENTRICULAR NONCOMPACTION; Cardiomyopathy, dilated, 1AA, with or without LVNC. Identifiers: Orphanet 154, MedGen C2677338, MONDO:0012808, OMIM 612158.

gnomAD v4.1: 2 of 1,614,152 alleles (0.00012%); highest among the groups gnomAD compares: Non-Finnish European, 0.00017%; no homozygotes.

Submission:

Labcorp Genetics (formerly Invitae), Labcorp
Classification: Uncertain significance for Primary familial hypertrophic cardiomyopathy; Dilated cardiomyopathy 1AA. Last evaluated: 2025-03-14. Review status: criteria provided, single submitter. Criteria: Invitae Variant Classification Sherloc (09022015). Collection method: clinical testing. Allele origin: germline.
Comment: This sequence change replaces aspartic acid, which is acidic and polar, with alanine, which is neutral and non-polar, at codon 880 of the ACTN2 protein (p.Asp880Ala). This variant is not present in population databases (gnomAD no frequency). This variant has not been reported in the literature in individuals affected with ACTN2-related conditions. An algorithm developed to predict the effect of missense changes on protein structure and function (PolyPhen-2) suggests that this variant is likely to be disruptive. In summary, the available evidence is currently insufficient to determine the role of this variant in disease. Therefore, it has been classified as a Variant of Uncertain Significance.